The following is an entry in ClinVar:

NM_022114.4(PRDM16):c.811G>A (p.Glu271Lys)

Gene: PRDM16 (PR/SET domain 16; plus strand). Cytogenetic location: 1p36.32.
Variant type: single nucleotide variant.
Coding change: c.811G>A on transcript NM_022114.4 (MANE Select); coding-DNA position 811, G replaced by A.
Protein change: p.Glu271Lys; replaces glutamic acid 271 with lysine.
Molecular consequence: missense variant.
Genome position (GRCh38, 1-based): chr1:3,402,925, G>A. VCF-style: chr1-3402925-G-A. GRCh37 (hg19) VCF-style: chr1-3319489-G-A.
Other names: c.811G>A, p.Glu271Lys (NM_199454.3); short protein forms E271K.
Identifiers: ClinVar variation 541387 (VCV000541387.13), dbSNP rs200052869, ClinGen allele CA543964.

ClinVar aggregate classification (germline): Conflicting classifications of pathogenicity. Review status: criteria provided, conflicting classifications (1 of 4 stars). 4 submissions from 4 submitters: Uncertain significance (3); Likely benign (1). Last evaluated 2025-08-15.

Conditions:
Left ventricular noncompaction 8 (LVNC8). Identifiers: Orphanet 154, Orphanet 54260, MedGen C3809288, MONDO:0014152, OMIM 615373.

Allele frequency attached by ClinVar (database versions not stated): gnomAD 0.00002; gnomAD exomes 0.00002 and 0.00003; TOPMed 0.00003; ExAC 0.00004.
gnomAD v4.1: 49 of 1,612,660 alleles (0.003%); highest among the groups gnomAD compares: Non-Finnish European, 0.0041%; no homozygotes.

Submissions (4):

Labcorp Genetics (formerly Invitae), Labcorp
Classification: Uncertain significance for Left ventricular noncompaction 8. Last evaluated: 2025-08-15. Review status: criteria provided, single submitter. Criteria: Invitae Variant Classification Sherloc (09022015). Collection method: clinical testing. Allele origin: germline.
Comment: This sequence change replaces glutamic acid, which is acidic and polar, with lysine, which is basic and polar, at codon 271 of the PRDM16 protein (p.Glu271Lys). This variant is present in population databases (rs200052869, gnomAD 0.007%). This missense change has been observed in individual(s) with dilated cardiomyopathy (PMID: 23768516). ClinVar contains an entry for this variant (Variation ID: 541387). An algorithm developed to predict the effect of missense changes on protein structure and function outputs the following: PolyPhen-2: "Benign". The lysine amino acid residue is found in multiple mammalian species, which suggests that this missense change does not adversely affect protein function. In summary, the available evidence is currently insufficient to determine the role of this variant in disease. Therefore, it has been classified as a Variant of Uncertain Significance.

GeneDx
Classification: Uncertain significance. Last evaluated: 2024-04-16. Review status: criteria provided, single submitter. Criteria: GeneDx Variant Classification Process June 2021. Collection method: clinical testing. Allele origin: germline. Affected: yes.
Comment: In silico analysis indicates that this missense variant does not alter protein structure/function; Reported in association with dilated cardiomyopathy (DCM) in published literature (PMID: 23768516); This variant is associated with the following publications: (PMID: 24387995, 23768516)

Blueprint Genetics
Classification: Likely benign. Last evaluated: 2023-10-17. Review status: criteria provided, single submitter. Criteria: ACMG Guidelines, 2015. Collection method: clinical testing. Allele origin: germline.

Revvity Omics, Revvity
Classification: Uncertain significance for Left ventricular noncompaction 8. Last evaluated: 2019-06-14. Review status: criteria provided, single submitter. Criteria: ACMG Guidelines, 2015. Collection method: clinical testing. Allele origin: germline.

Literature cited by the submitters: PubMed 23768516 (cited by Labcorp Genetics (formerly Invitae), Labcorp).